The following is an entry in ClinVar:

NM_000059.4(BRCA2):c.7184A>C (p.His2395Pro)

Gene: BRCA2 (BRCA2 DNA repair associated; plus strand). Cytogenetic location: 13q13.1.
Variant type: single nucleotide variant.
Coding change: c.7184A>C on transcript NM_000059.4 (MANE Select); coding-DNA position 7184, A replaced by C.
Protein change: p.His2395Pro; replaces histidine 2395 with proline.
Molecular consequence: missense variant.
Genome position (GRCh38, 1-based): chr13:32,355,037, A>C. VCF-style: chr13-32355037-A-C. GRCh37 (hg19) VCF-style: chr13-32929174-A-C.
Other names: short protein forms H2395P.
Identifiers: ClinVar variation 826892 (VCV000826892.15), dbSNP rs1593917980, ClinGen allele CA387739641.
Genomic context (GRCh38, chr13:32,355,037, plus strand): 5'-TAGCAGTTTCAGGACATCCATTTTATCAAGTTTCTGCTACAAGAAATGAAAAAATGAGAC[A>C]CTTGATTACTACAGGCAGACCAACCAAAGTCTTTGTTCCACCTTTTAAAACTAAATCACA-3'
Protein context (NP_000050.3, residues 2385-2405): VSATRNEKMR[His2395Pro]LITTGRPTKV

ClinVar aggregate classification (germline): Uncertain significance. Review status: criteria provided, multiple submitters, no conflicts (2 of 4 stars). 3 submissions from 3 submitters: Uncertain significance (3). Last evaluated 2024-04-29.

Conditions:
Hereditary breast ovarian cancer syndrome. Also called: Hereditary breast and ovarian cancer syndrome; Hereditary breast and ovarian cancer; Hereditary breast and ovarian cancer syndrome (HBOC); Breast and ovarian cancer; Hereditary breast and/or ovarian cancer syndrome; BRCA1- and BRCA2-Associated Hereditary Breast and Ovarian Cancer. Identifiers: Orphanet 145, MedGen C0677776, MeSH D061325, MONDO:0003582. Disease mechanism: loss of function.
Inherited prostate cancer.
Hereditary cancer-predisposing syndrome. Also called: Neoplastic Syndromes, Hereditary; Tumor predisposition; Hereditary neoplastic syndrome; Hereditary Cancer Syndrome. Identifiers: Orphanet 140162, MedGen C0027672, MeSH D009386, MONDO:0015356.

Allele frequency attached by ClinVar (database versions not stated): gnomAD exomes below 0.00001.
gnomAD v4.1: 1 of 1,614,054 alleles (0.000062%); highest among the groups gnomAD compares: African/African-American, 0.0013%; no homozygotes.

Submissions (3):

Genomics and Molecular Medicine Service, East Genomic Laboratory Hub, NHS Genomic Medicine Service
Classification: Uncertain significance for Inherited prostate cancer. Last evaluated: 2024-04-29. Review status: criteria provided, single submitter. Criteria: ACGS Best Practice Guidelines for Variant Classification in Rare Disease 2020. Collection method: clinical testing. Allele origin: germline. Affected: yes.
Comment: BP1

Ambry Genetics
Classification: Uncertain significance for Hereditary cancer-predisposing syndrome. Last evaluated: 2023-07-08. Review status: criteria provided, single submitter. Criteria: Ambry Variant Classification Scheme 2023. Collection method: clinical testing. Allele origin: germline.
Comment: The p.H2395P variant (also known as c.7184A>C), located in coding exon 13 of the BRCA2 gene, results from an A to C substitution at nucleotide position 7184. The histidine at codon 2395 is replaced by proline, an amino acid with similar properties. This amino acid position is not well conserved in available vertebrate species. In addition, this alteration is predicted to be tolerated by in silico analysis. Since supporting evidence is limited at this time, the clinical significance of this alteration remains unclear.

Labcorp Genetics (formerly Invitae), Labcorp
Classification: Uncertain significance for Hereditary breast ovarian cancer syndrome. Last evaluated: 2020-10-09. Review status: criteria provided, single submitter. Criteria: Invitae Variant Classification Sherloc (09022015). Collection method: clinical testing. Allele origin: germline.
Comment: This sequence change replaces histidine with proline at codon 2395 of the BRCA2 protein (p.His2395Pro). The histidine residue is weakly conserved and there is a moderate physicochemical difference between histidine and proline. This variant is not present in population databases (ExAC no frequency). This variant has not been reported in the literature in individuals with BRCA2-related conditions. ClinVar contains an entry for this variant (Variation ID: 826892). Advanced modeling of protein sequence and biophysical properties (such as structural, functional, and spatial information, amino acid conservation, physicochemical variation, residue mobility, and thermodynamic stability) performed at Invitae indicates that this missense variant is not expected to disrupt BRCA2 protein function. In summary, the available evidence is currently insufficient to determine the role of this variant in disease. Therefore, it has been classified as a Variant of Uncertain Significance.